The following is an entry in ClinVar:

NM_018238.4(AGK):c.331G>A (p.Glu111Lys)

Gene: AGK (acylglycerol kinase; plus strand). Cytogenetic location: 7q34.
Variant type: single nucleotide variant.
Coding change: c.331G>A on transcript NM_018238.4 (MANE Select); coding-DNA position 331, G replaced by A.
Protein change: p.Glu111Lys; replaces glutamic acid 111 with lysine.
Molecular consequence: missense variant.
Genome position (GRCh38, 1-based): chr7:141,611,228, G>A. VCF-style: chr7-141611228-G-A. GRCh37 (hg19) VCF-style: chr7-141311028-G-A.
Other names: c.331G>A, p.Glu111Lys (NM_001364948.3); short protein forms E111K.
Identifiers: ClinVar variation 2172934 (VCV002172934.4), dbSNP rs145805257, ClinGen allele CA4517397.
Genomic context (GRCh38, chr7:141,611,228, plus strand): 5'-TCACCAAAGGCTTCCTTGGTATTTCAGACAGATTATGAGGGACAAGCCAAGAAACTCCTG[G>A]AACTGATGGAAAACACGGATGTGATCATTGTTGCAGGAGGAGATGGGACACTGCAGGAGG-3'
Protein context (NP_060708.1, residues 101-121): DYEGQAKKLL[Glu111Lys]LMENTDVIIV

ClinVar aggregate classification (germline): Uncertain significance (1 of 4 stars; one submission).

Conditions:
Cataract 38. Also called: Cataract, autosomal recessive congenital 5; Cataract 38, autosomal recessive. Identifiers: Orphanet 91492, MedGen C3553494, MONDO:0013859, OMIM 614691.
Sengers syndrome. Also called: MITOCHONDRIAL DNA DEPLETION SYNDROME 10 (CARDIOMYOPATHIC TYPE); Cardiomyopathy and cataract. Identifiers: Orphanet 1369, MedGen C1859317, MONDO:0008922, OMIM 212350.

gnomAD v4.1: 8 of 1,613,376 alleles (0.0005%); highest among the groups gnomAD compares: African/African-American, 0.011%; no homozygotes.

Submission:

Labcorp Genetics (formerly Invitae), Labcorp
Classification: Uncertain significance for Sengers syndrome; Cataract 38. Last evaluated: 2022-02-14. Review status: criteria provided, single submitter. Criteria: Invitae Variant Classification Sherloc (09022015). Collection method: clinical testing. Allele origin: germline.
Comment: This variant has not been reported in the literature in individuals affected with AGK-related conditions. In summary, the available evidence is currently insufficient to determine the role of this variant in disease. Therefore, it has been classified as a Variant of Uncertain Significance. Algorithms developed to predict the effect of missense changes on protein structure and function are either unavailable or do not agree on the potential impact of this missense change (SIFT: "Tolerated"; PolyPhen-2: "Possibly Damaging"; Align-GVGD: "Class C0"). This variant is present in population databases (rs145805257, gnomAD 0.02%). This sequence change replaces glutamic acid, which is acidic and polar, with lysine, which is basic and polar, at codon 111 of the AGK protein (p.Glu111Lys).